The following is an entry in ClinVar:

NM_001267550.2(TTN):c.66059_66060insAT (p.Ile22021fs)

Genes: TTN (titin; minus strand), TTN-AS1 (TTN antisense RNA 1; plus strand). Cytogenetic location: 2q31.2.
Variant type: Insertion.
Coding change: c.66059_66060insAT on transcript NM_001267550.2 (MANE Select); coding-DNA positions 66059 to 66060, AT inserted.
Protein change: p.Ile22021fs; shifts the reading frame from isoleucine 22021.
Molecular consequence: frameshift variant.
Genome position: GRCh38 VCF-style: chr2-178582396-A-AAT. GRCh37 (hg19) VCF-style: chr2-179447123-A-AAT.
Other names: c.61136_61137insAT, p.Ile20380fs (NM_001256850.1); c.38864_38865insAT, p.Ile12956fs (NM_003319.4); c.58355_58356insAT, p.Ile19453fs (NM_133378.4); c.39239_39240insAT, p.Ile13081fs (NM_133432.3); c.39440_39441insAT, p.Ile13148fs (NM_133437.4); short protein forms I13081fs, I13148fs, I20380fs, I22021fs, I19453fs, I12956fs.
Identifiers: ClinVar variation 956435 (VCV000956435.10), dbSNP rs2047981524, ClinGen allele CA1139657450.
Genomic context (GRCh38, chr2:178,582,396, plus strand): 5'-ATCGCCTACTCCATATTTATTTTCAGCACAAATACGGAACTGATACTCATGGCCCTCTAT[A>AAT]AGTTTCTCCACGCTGCAGCTGGTGATAGGCACAGTTGCAGAGACTTGAGCCCAGTTGGGC-3'

ClinVar aggregate classification (germline): Likely pathogenic (1 of 4 stars; one submission).

Conditions:
Dilated cardiomyopathy 1G (CMD1G). Identifiers: Orphanet 154, MedGen C1858763, MONDO:0011400, OMIM 604145.
Autosomal recessive limb-girdle muscular dystrophy type 2J (LGMDR10). Also called: Limb-girdle muscular dystrophy, type 2J; MUSCULAR DYSTROPHY, LIMB-GIRDLE, AUTOSOMAL RECESSIVE 10. Identifiers: Orphanet 140922, MedGen C1837342, MONDO:0012127, OMIM 608807.

Submission:

Labcorp Genetics (formerly Invitae), Labcorp
Classification: Likely pathogenic for Dilated cardiomyopathy 1G; Autosomal recessive limb-girdle muscular dystrophy type 2J. Last evaluated: 2025-05-09. Review status: criteria provided, single submitter. Criteria: Invitae Variant Classification Sherloc (09022015). Collection method: clinical testing. Allele origin: germline.
Comment: This sequence change creates a premature translational stop signal (p.Ile22021Leufs*2) in the TTN gene. While this is not anticipated to result in nonsense mediated decay, it is expected to create a truncated TTN protein. This variant is not present in population databases (gnomAD no frequency). This variant has not been reported in the literature in individuals affected with TTN-related conditions. ClinVar contains an entry for this variant (Variation ID: 956435). This variant is located in the A band of TTN (PMID: 25589632). Truncating variants in this region are significantly overrepresented in patients affected with dilated cardiomyopathy (PMID: 25589632). Truncating variants in this region have also been reported in individuals affected with autosomal recessive centronuclear myopathy (PMID: 23975875). In summary, the currently available evidence indicates that the variant is pathogenic, but additional data are needed to prove that conclusively. Therefore, this variant has been classified as Likely Pathogenic.

Literature cited by the submitters: PubMed 25589632; PubMed 23975875.